The following is an entry in ClinVar:

NM_014000.3(VCL):c.887A>G (p.Glu296Gly)

Gene: VCL (vinculin; plus strand). Cytogenetic location: 10q22.2.
Variant type: single nucleotide variant.
Coding change: c.887A>G on transcript NM_014000.3 (MANE Select); coding-DNA position 887, A replaced by G.
Protein change: p.Glu296Gly; replaces glutamic acid 296 with glycine.
Molecular consequence: missense variant.
Genome position (GRCh38, 1-based): chr10:74,083,378, A>G. VCF-style: chr10-74083378-A-G. GRCh37 (hg19) VCF-style: chr10-75843136-A-G.
Other names: c.887A>G, p.Glu296Gly (NM_003373.4); short protein forms E296G.
Identifiers: ClinVar variation 2131169 (VCV002131169.4), dbSNP rs2549218972, ClinGen allele CA377270055.

ClinVar aggregate classification (germline): Uncertain significance (1 of 4 stars; one submission).

Conditions:
Dilated cardiomyopathy 1W (CMD1W). Identifiers: Orphanet 154, MedGen C1969639, MONDO:0012667, OMIM 611407.

Submission:

Labcorp Genetics (formerly Invitae), Labcorp
Classification: Uncertain significance for Dilated cardiomyopathy 1W. Last evaluated: 2022-04-28. Review status: criteria provided, single submitter. Criteria: Invitae Variant Classification Sherloc (09022015). Collection method: clinical testing. Allele origin: germline.
Comment: In summary, the available evidence is currently insufficient to determine the role of this variant in disease. Therefore, it has been classified as a Variant of Uncertain Significance. Algorithms developed to predict the effect of missense changes on protein structure and function are either unavailable or do not agree on the potential impact of this missense change (SIFT: "Not Available"; PolyPhen-2: "Probably Damaging"; Align-GVGD: "Not Available"). This variant has not been reported in the literature in individuals affected with VCL-related conditions. This variant is not present in population databases (gnomAD no frequency). This sequence change replaces glutamic acid, which is acidic and polar, with glycine, which is neutral and non-polar, at codon 296 of the VCL protein (p.Glu296Gly).